The following is an entry in ClinVar:

NC_000019.9:g.(?_852323)_(1207208_?)dup

Genes: ABCA7 (ATP binding cassette subfamily A member 7; plus strand), ARHGAP45 (Rho GTPase activating protein 45; plus strand), ARID3A (AT-rich interaction domain 3A; plus strand), CFD (complement factor D; plus strand), CNN2 (calponin 2; plus strand) and 11 more. Cytogenetic location: 19p13.3.
Variant type: Duplication.
Identifiers: ClinVar variation 458009 (VCV000458009.1).

ClinVar aggregate classification (germline): Uncertain significance (1 of 4 stars; one submission).

Conditions:
Peutz-Jeghers syndrome (PJS). Also called: POLYPOSIS, HAMARTOMATOUS INTESTINAL; POLYPS-AND-SPOTS SYNDROME; Peutz-Jeghers polyposis; Periorificial lentiginosis syndrome. Identifiers: Orphanet 2869, MedGen C0031269, MeSH D010580, MONDO:0008280, OMIM 175200.

Submission:

Labcorp Genetics (formerly Invitae), Labcorp
Classification: Uncertain significance for Peutz-Jeghers syndrome. Last evaluated: 2017-02-06. Review status: criteria provided, single submitter. Criteria: Invitae Variant Classification Sherloc (09022015). Collection method: clinical testing. Allele origin: germline.
Comment: This variant is a gross duplication of the genomic region encompassing exon 1 of the STK11 gene. The 5' end of this event is unknown as it extends beyond the assayed region for this gene and therefore may encompass additional genes. The 3' boundary is likely confined to intron 1 of the STK11 gene. Duplication of exon 1 has not been reported in the literature in individuals with a STK11-related disease. Experimental studies and prediction algorithms are not available for this variant, and the functional significance of the duplicated exon is currently unknown. In summary, the exact genomic location of this variant is unknown and the impact of this duplication on STK11 protein function has not been established. Therefore, it has been classified as a Variant of Uncertain Significance.